The following is an entry in ClinVar:

NM_000018.4(ACADVL):c.139-3C>T

Gene: ACADVL (acyl-CoA dehydrogenase very long chain; plus strand). Cytogenetic location: 17p13.1.
Variant type: single nucleotide variant.
Coding change: c.139-3C>T on transcript NM_000018.4 (MANE Select); 3 bases into the intron before coding-DNA position 139, C replaced by T.
Molecular consequence: intron variant.
Genome position (GRCh38, 1-based): chr17:7,220,461, C>T. VCF-style: chr17-7220461-C-T. GRCh37 (hg19) VCF-style: chr17-7123780-C-T.
Other names: c.139-3C>T (NM_000018.2); c.208-3C>T (NM_001270447.2); c.-90-3C>T (NM_001270448.2); c.139-143C>T (NM_001033859.3).
Identifiers: ClinVar variation 555679 (VCV000555679.8), dbSNP rs1555527630, ClinGen allele CA624861242.

ClinVar aggregate classification (germline): Uncertain significance. Review status: criteria provided, multiple submitters, no conflicts (2 of 4 stars). 3 submissions from 3 submitters: Uncertain significance (2). 1 of the submissions does not count toward it. Last evaluated 2022-09-01.

Conditions:
Inborn genetic diseases. Identifiers: MedGen C0950123, MeSH D030342.
Very long chain acyl-CoA dehydrogenase deficiency (ACADVLD). Also called: Very Long-Chain Acyl-Coenzyme A Dehydrogenase Deficiency; VLCAD Deficiency. Identifiers: Orphanet 26793, MedGen C3887523, MONDO:0008723, OMIM 201475.

Allele frequency attached by ClinVar (database versions not stated): gnomAD exomes below 0.00001.
gnomAD v4.1: 4 of 1,614,222 alleles (0.00025%); highest among the groups gnomAD compares: Non-Finnish European, 0.00017%; no homozygotes.

Submissions (3):

Labcorp Genetics (formerly Invitae), Labcorp
Classification: Uncertain significance for Very long chain acyl-CoA dehydrogenase deficiency. Last evaluated: 2022-09-01. Review status: criteria provided, single submitter. Criteria: Invitae Variant Classification Sherloc (09022015). Collection method: clinical testing. Allele origin: germline.
Comment: This sequence change falls in intron 2 of the ACADVL gene. It does not directly change the encoded amino acid sequence of the ACADVL protein. It affects a nucleotide within the consensus splice site. This variant is present in population databases (no rsID available, gnomAD 0.003%). This variant has not been reported in the literature in individuals affected with ACADVL-related conditions. ClinVar contains an entry for this variant (Variation ID: 555679). Variants that disrupt the consensus splice site are a relatively common cause of aberrant splicing (PMID: 17576681, 9536098). Algorithms developed to predict the effect of sequence changes on RNA splicing suggest that this variant is not likely to affect RNA splicing. In summary, the available evidence is currently insufficient to determine the role of this variant in disease. Therefore, it has been classified as a Variant of Uncertain Significance.

Ambry Genetics
Classification: Uncertain significance for Inborn genetic diseases. Last evaluated: 2021-10-13. Review status: criteria provided, single submitter. Criteria: Ambry Variant Classification Scheme 2023. Collection method: clinical testing. Allele origin: germline.
Comment: The c.139-3C>T intronic alteration consists of a C to T substitution 3 nucleotides before exon 3 of the ACADVL gene. Based on insufficient or conflicting evidence, the clinical significance of this alteration remains unclear.

Counsyl
Classification: Uncertain significance for Very long chain acyl-CoA dehydrogenase deficiency. Last evaluated: 2017-12-28. Review status: no assertion criteria provided. Collection method: clinical testing. Allele origin: unknown. Not counted in ClinVar's aggregate classification.

Literature cited by the submitters: PubMed 17576681 (cited by Labcorp Genetics (formerly Invitae), Labcorp); PubMed 9536098 (cited by Labcorp Genetics (formerly Invitae), Labcorp).